The following is an entry in ClinVar:

NM_001136271.3(NKX2-6):c.142G>T (p.Ala48Ser)

Gene: NKX2-6 (NK2 homeobox 6; minus strand). Cytogenetic location: 8p21.2.
Variant type: single nucleotide variant.
Coding change: c.142G>T on transcript NM_001136271.3 (MANE Select); coding-DNA position 142, G replaced by T.
Protein change: p.Ala48Ser; replaces alanine 48 with serine.
Molecular consequence: missense variant.
Genome position (GRCh38, 1-based): chr8:23,706,457, C>A on the plus strand (G>T on the coding strand, the complement: NKX2-6 is on the minus strand). VCF-style: chr8-23706457-C-A. GRCh37 (hg19) VCF-style: chr8-23563970-C-A.
Other names: short protein forms A48S.
Identifiers: ClinVar variation 2699643 (VCV002699643.3), dbSNP rs764430720, ClinGen allele CA370603620.

ClinVar aggregate classification (germline): Uncertain significance (1 of 4 stars; one submission).

Conditions:
Conotruncal heart malformations (CTHM). Also called: Conotruncal heart malformations, variable. Identifiers: Orphanet 2445, Orphanet 3384, Orphanet 3426, MedGen C1857586, MONDO:0016581, OMIM 217095.

Allele frequency attached by ClinVar (database versions not stated): TOPMed 0.00001.

Submission:

Labcorp Genetics (formerly Invitae), Labcorp
Classification: Uncertain significance for Conotruncal heart malformations. Last evaluated: 2023-06-17. Review status: criteria provided, single submitter. Criteria: Invitae Variant Classification Sherloc (09022015). Collection method: clinical testing. Allele origin: germline.
Comment: This variant is not present in population databases (gnomAD no frequency). In summary, the available evidence is currently insufficient to determine the role of this variant in disease. Therefore, it has been classified as a Variant of Uncertain Significance. Advanced modeling of protein sequence and biophysical properties (such as structural, functional, and spatial information, amino acid conservation, physicochemical variation, residue mobility, and thermodynamic stability) performed at Invitae indicates that this missense variant is not expected to disrupt NKX2-6 protein function. This variant has not been reported in the literature in individuals affected with NKX2-6-related conditions. This sequence change replaces alanine, which is neutral and non-polar, with serine, which is neutral and polar, at codon 48 of the NKX2-6 protein (p.Ala48Ser).